The following is an entry in ClinVar:

NM_002528.7(NTHL1):c.354+2T>C

Gene: NTHL1 (nth like DNA glycosylase 1; minus strand). Cytogenetic location: 16p13.3.
Variant type: single nucleotide variant.
Coding change: c.354+2T>C on transcript NM_002528.7 (MANE Select); the canonical splice donor site of the intron after coding-DNA position 354, T replaced by C.
Molecular consequence: splice donor variant. On other transcripts: intron variant (1).
Genome position (GRCh38, 1-based): chr16:2,046,126, A>G on the plus strand (T>C on the coding strand, the complement: NTHL1 is on the minus strand). VCF-style: chr16-2046126-A-G. GRCh37 (hg19) VCF-style: chr16-2096127-A-G.
Other names: c.24+154T>C (NM_001318194.2); c.354+2T>C (NM_001318193.2).
Identifiers: ClinVar variation 650459 (VCV000650459.9), dbSNP rs1239874051, ClinGen allele CA394295013.

ClinVar aggregate classification (germline): Likely pathogenic. Review status: criteria provided, multiple submitters, no conflicts (2 of 4 stars). 3 submissions from 3 submitters: Likely pathogenic (3). Last evaluated 2023-12-15.

Conditions:
Familial adenomatous polyposis 3. Also called: NTHL1-Related Adenomatous Polyposis and Colorectal Cancer; NTHL1-associated polyposis; NTHL1-related attenuated familial adenomatous polyposis; NTHL1 Tumor Syndrome. Identifiers: Orphanet 220460, Orphanet 454840, MedGen C4225157, MONDO:0014630, OMIM 616415.

Allele frequency attached by ClinVar (database versions not stated): gnomAD exomes below 0.00001.

Submissions (3):

Baylor Genetics
Classification: Likely pathogenic for Familial adenomatous polyposis 3. Last evaluated: 2023-12-15. Review status: criteria provided, single submitter. Criteria: ACMG Guidelines, 2015. Collection method: clinical testing. Allele origin: unknown.

Myriad Genetics, Inc.
Classification: Likely pathogenic for Familial adenomatous polyposis 3. Last evaluated: 2023-09-05. Review status: criteria provided, single submitter. Criteria: Myriad Autosomal Dominant, Autosomal Recessive and X-Linked Classification Criteria (2023). Collection method: clinical testing. Allele origin: unknown.
Comment: This variant is considered likely pathogenic. This variant occurs within a consensus splice junction and is predicted to result in abnormal mRNA splicing of either an out-of-frame exon or an in-frame exon necessary for protein stability and/or normal function.

Labcorp Genetics (formerly Invitae), Labcorp
Classification: Likely pathogenic. Last evaluated: 2023-05-13. Review status: criteria provided, single submitter. Criteria: Invitae Variant Classification Sherloc (09022015). Collection method: clinical testing. Allele origin: germline.
Comment: This variant has not been reported in the literature in individuals affected with NTHL1-related conditions. This variant is present in population databases (no rsID available, gnomAD 0.003%). This sequence change affects a donor splice site in intron 2 of the NTHL1 gene. It is expected to disrupt RNA splicing. Variants that disrupt the donor or acceptor splice site typically lead to a loss of protein function (PMID: 16199547), and loss-of-function variants in NTHL1 are known to be pathogenic (PMID: 25938944, 26559593). ClinVar contains an entry for this variant (Variation ID: 650459). In summary, the currently available evidence indicates that the variant is pathogenic, but additional data are needed to prove that conclusively. Therefore, this variant has been classified as Likely Pathogenic. RNA analysis provides insufficient evidence to determine the effect of this variant on NTHL1 splicing (Invitae).

Literature cited by the submitters: PubMed 16199547 (cited by Labcorp Genetics (formerly Invitae), Labcorp); PubMed 25938944 (cited by Labcorp Genetics (formerly Invitae), Labcorp); PubMed 26559593 (cited by Labcorp Genetics (formerly Invitae), Labcorp).